The following is an entry in ClinVar:

NM_000444.6(PHEX):c.103_104del (p.Thr35fs)

Gene: PHEX (phosphate regulating endopeptidase X-linked; plus strand). Cytogenetic location: Xp22.11.
Variant type: Deletion.
Coding change: c.103_104del on transcript NM_000444.6 (MANE Select); coding-DNA positions 103 to 104, 2 bases deleted (AC; older notation c.103_104delAC).
Protein change: p.Thr35fs; shifts the reading frame from threonine 35.
Molecular consequence: frameshift variant.
Genome position (GRCh38, 1-based): chrX:22,033,108-22,033,109, AC deleted; deleting any 2 consecutive bases within chrX:22,033,107-22,033,109 gives the same sequence; the c. name uses the placement nearest the transcript's 3' end. VCF-style (leftmost placement, unchanged base first): chrX-22033106-GCA-G. GRCh37 (hg19) VCF-style: chrX-22051224-GCA-G.
Other names: c.103_104del, p.Thr35fs (NM_001282754.2); short protein forms T35fs.
Identifiers: ClinVar variation 850496 (VCV000850496.1), dbSNP rs1926874291, ClinGen allele CA916083867.

ClinVar aggregate classification (germline): Pathogenic (1 of 4 stars; one submission).

Submission:

Labcorp Genetics (formerly Invitae), Labcorp
Classification: Pathogenic. Last evaluated: 2019-12-24. Review status: criteria provided, single submitter. Criteria: Invitae Variant Classification Sherloc (09022015). Collection method: clinical testing. Allele origin: germline.
Comment: This sequence change creates a premature translational stop signal (p.Thr35Aspfs*15) in the PHEX gene. It is expected to result in an absent or disrupted protein product. This variant is not present in population databases (ExAC no frequency). This variant has not been reported in the literature in individuals with PHEX-related conditions. Loss-of-function variants in PHEX are known to be pathogenic (PMID: 9097956, 9106524, 19219621). For these reasons, this variant has been classified as Pathogenic.